The following is an entry in ClinVar:

NM_001365951.3(KIF1B):c.2962C>T (p.Pro988Ser)

Gene: KIF1B (kinesin family member 1B; plus strand). Cytogenetic location: 1p36.22.
Variant type: single nucleotide variant.
Coding change: c.2962C>T on transcript NM_001365951.3 (MANE Select); coding-DNA position 2962, C replaced by T.
Protein change: p.Pro988Ser; replaces proline 988 with serine.
Molecular consequence: missense variant.
Genome position (GRCh38, 1-based): chr1:10,334,557, C>T. VCF-style: chr1-10334557-C-T. GRCh37 (hg19) VCF-style: chr1-10394615-C-T.
Other names: c.2962C>T, p.Pro988Ser (NM_001365952.1); c.2824C>T, p.Pro942Ser (NM_015074.3); short protein forms P942S, P988S.
Identifiers: ClinVar variation 3226416 (VCV003226416.1), dbSNP rs2521700314, ClinGen allele CA338338651.

ClinVar aggregate classification (germline): Uncertain significance (1 of 4 stars; one submission).

Submission:

Ambry Genetics
Classification: Uncertain significance. Last evaluated: 2024-02-27. Review status: criteria provided, single submitter. Criteria: Ambry Variant Classification Scheme 2023. Collection method: clinical testing. Allele origin: germline.
Comment: The p.P942S variant (also known as c.2824C>T), located in coding exon 25 of the KIF1B gene, results from a C to T substitution at nucleotide position 2824. The proline at codon 942 is replaced by serine, an amino acid with similar properties. This amino acid position is conserved. In addition, the in silico prediction for this alteration is inconclusive. Based on the available evidence, the clinical significance of this alteration remains unclear.